The following is an entry in ClinVar:

NM_001197104.2(KMT2A):c.1508G>T (p.Arg503Leu)

Gene: KMT2A (lysine methyltransferase 2A; plus strand). Cytogenetic location: 11q23.3.
Variant type: single nucleotide variant.
Coding change: c.1508G>T on transcript NM_001197104.2 (MANE Select); coding-DNA position 1508, G replaced by T.
Protein change: p.Arg503Leu; replaces arginine 503 with leucine.
Molecular consequence: missense variant.
Genome position (GRCh38, 1-based): chr11:118,472,667, G>T. VCF-style: chr11-118472667-G-T. GRCh37 (hg19) VCF-style: chr11-118343382-G-T.
Other names: c.1607G>T, p.Arg536Leu (NM_001412597.1); c.1508G>T, p.Arg503Leu (NM_005933.4); short protein forms R503L, R536L.
Identifiers: ClinVar variation 3634303 (VCV003634303.2).

ClinVar aggregate classification (germline): Uncertain significance (1 of 4 stars; one submission).

gnomAD v4.1: 1 of 1,612,864 alleles (0.000062%); highest among the groups gnomAD compares: Non-Finnish European, 0.000085%; no homozygotes.

Submission:

Labcorp Genetics (formerly Invitae), Labcorp
Classification: Uncertain significance. Last evaluated: 2024-04-09. Review status: criteria provided, single submitter. Criteria: Invitae Variant Classification Sherloc (09022015). Collection method: clinical testing. Allele origin: germline.
Comment: This sequence change replaces arginine, which is basic and polar, with leucine, which is neutral and non-polar, at codon 503 of the KMT2A protein (p.Arg503Leu). This variant is not present in population databases (gnomAD no frequency). This variant has not been reported in the literature in individuals affected with KMT2A-related conditions. Advanced modeling of protein sequence and biophysical properties (such as structural, functional, and spatial information, amino acid conservation, physicochemical variation, residue mobility, and thermodynamic stability) performed at Invitae indicates that this missense variant is not expected to disrupt KMT2A protein function with a negative predictive value of 95%. In summary, the available evidence is currently insufficient to determine the role of this variant in disease. Therefore, it has been classified as a Variant of Uncertain Significance.